The following is an entry in ClinVar:

NM_022124.6(CDH23):c.7225-2A>C

Gene: CDH23 (cadherin related 23; plus strand). Cytogenetic location: 10q22.1.
Variant type: single nucleotide variant.
Coding change: c.7225-2A>C on transcript NM_022124.6 (MANE Select); the canonical splice acceptor site of the intron before coding-DNA position 7225, A replaced by C.
Molecular consequence: splice acceptor variant.
Genome position (GRCh38, 1-based): chr10:71,799,490, A>C. VCF-style: chr10-71799490-A-C. GRCh37 (hg19) VCF-style: chr10-73559247-A-C.
Other names: c.505-2A>C (NM_001171933.1, NM_001171934.1).
Identifiers: ClinVar variation 2862674 (VCV002862674.3), dbSNP rs2132968572, ClinGen allele CA377159083.

ClinVar aggregate classification (germline): Likely pathogenic (1 of 4 stars; one submission).

Submission:

Labcorp Genetics (formerly Invitae), Labcorp
Classification: Likely pathogenic. Last evaluated: 2023-12-11. Review status: criteria provided, single submitter. Criteria: Invitae Variant Classification Sherloc (09022015). Collection method: clinical testing. Allele origin: germline.
Comment: This sequence change affects an acceptor splice site in intron 51 of the CDH23 gene. It is expected to disrupt RNA splicing. Variants that disrupt the donor or acceptor splice site typically lead to a loss of protein function (PMID: 16199547), and loss-of-function variants in CDH23 are known to be pathogenic (PMID: 11138009, 21940737). This variant is not present in population databases (gnomAD no frequency). Disruption of this splice site has been observed in individual(s) with Usher syndrome type I (PMID: 25468891). Algorithms developed to predict the effect of sequence changes on RNA splicing suggest that this variant may disrupt the consensus splice site. In summary, the currently available evidence indicates that the variant is pathogenic, but additional data are needed to prove that conclusively. Therefore, this variant has been classified as Likely Pathogenic.

Literature cited by the submitters: PubMed 16199547; PubMed 11138009; PubMed 21940737; PubMed 25468891.